The following is an entry in ClinVar:

ClinVar aggregate classification (germline): Uncertain significance (1 of 4 stars; one submission).

Conditions:
Syndromic intellectual disability. Also called: Intellectual disability syndrome. Identifiers: Orphanet 183763, MedGen C5680525, MONDO:0000508.

gnomAD v4.1: 1 of 1,613,678 alleles (0.000062%); highest among the groups gnomAD compares: Non-Finnish European, 0.000085%; no homozygotes.

Submission:

Dasa
Classification: Uncertain significance for Syndromic intellectual disability. Last evaluated: 2026-01-02. Review status: criteria provided, single submitter. Criteria: DASA Assertion Criteria. Collection method: clinical testing. Allele origin: germline.
Comment: NM_014991.6(WDFY3):c.3376G>C (p.Val1126Leu) is a missense variant that results in the substitution of valine with leucine. This variant is rare in population databases. The currently available literature and clinical evidence are not sufficient to establish a definitive association between this variant and the reported condition. Therefore, this variant is classified as a variant of uncertain significance.

NM_014991.6(WDFY3):c.3376G>C (p.Val1126Leu)

Gene: WDFY3 (WD repeat and FYVE domain containing 3; minus strand). Cytogenetic location: 4q21.23.
Variant type: single nucleotide variant.
Coding change: c.3376G>C on transcript NM_014991.6 (MANE Select); coding-DNA position 3376, G replaced by C.
Protein change: p.Val1126Leu; replaces valine 1126 with leucine.
Molecular consequence: missense variant.
Genome position (GRCh38, 1-based): chr4:84,794,630, C>G on the plus strand (G>C on the coding strand, the complement: WDFY3 is on the minus strand). VCF-style: chr4-84794630-C-G. GRCh37 (hg19) VCF-style: chr4-85715783-C-G.
Other names: short protein forms V1126L.
Identifiers: ClinVar variation 4880927 (VCV004880927.2).